The following is an entry in ClinVar:

NM_001349253.2(SCN11A):c.2384C>T (p.Thr795Met)

Gene: SCN11A (sodium voltage-gated channel alpha subunit 11; minus strand). Cytogenetic location: 3p22.2.
Variant type: single nucleotide variant.
Coding change: c.2384C>T on transcript NM_001349253.2 (MANE Select); coding-DNA position 2384, C replaced by T.
Protein change: p.Thr795Met; replaces threonine 795 with methionine.
Molecular consequence: missense variant.
Genome position (GRCh38, 1-based): chr3:38,896,864, G>A on the plus strand (C>T on the coding strand, the complement: SCN11A is on the minus strand). VCF-style: chr3-38896864-G-A. GRCh37 (hg19) VCF-style: chr3-38938355-G-A.
Other names: c.2384C>T, p.Thr795Met (NM_014139.3); short protein forms T795M.
Identifiers: ClinVar variation 474706 (VCV000474706.10), dbSNP rs767279633, ClinGen allele CA2322072.
Genomic context (GRCh38, chr3:38,896,864, plus strand): 5'-GGATCTTTTTTTTTTTTTTGAAAAAAATCTAAGACACATACCACAAGTTTTCCTATCACC[G>A]TGATCAATATGAAGACAATAACACACAATGATGATGATGCATTCGCTTCTTGCATACATT-3'
Protein context (NP_001336182.1, residues 785-805): SLCVIVFILI[Thr795Met]VIGKLVVLNL

ClinVar aggregate classification (germline): Conflicting classifications of pathogenicity. Review status: criteria provided, conflicting classifications (1 of 4 stars). 3 submissions from 3 submitters: Uncertain significance (2); Likely benign (1). Last evaluated 2026-08-18.

Conditions:
SCN11A-related disorder. Also called: SCN11A-related condition.
Inborn genetic diseases. Identifiers: MedGen C0950123, MeSH D030342.
Hereditary sensory and autonomic neuropathy type 7. Also called: HSAN VII; Neuropathy, hereditary sensory and autonomic, type VII. Identifiers: Orphanet 391397, MedGen C3809882, MONDO:0014244, OMIM 615548.
Familial episodic pain syndrome with predominantly lower limb involvement. Also called: Episodic pain syndrome, familial, 3. Identifiers: Orphanet 391384, Orphanet 391392, MedGen C3809899, MONDO:0014247, OMIM 615552.

Allele frequency attached by ClinVar (database versions not stated): gnomAD exomes 0.00001 and 0.00004; ExAC 0.00003; gnomAD 0.00004.
gnomAD v4.1: 24 of 1,556,048 alleles (0.0015%); highest among the groups gnomAD compares: Admixed American, 0.0073%; no homozygotes.

Submissions (3):

PreventionGenetics, part of Exact Sciences
Classification: Uncertain significance for SCN11A-related condition. Last evaluated: 2026-08-18. Review status: criteria provided, single submitter. Criteria: ACMG Guidelines, 2015. Collection method: clinical testing. Allele origin: germline.
Comment: The SCN11A c.2384C>T variant is predicted to result in the amino acid substitution p.Thr795Met. To our knowledge, this variant has not been reported in the literature. This variant is reported in 0.0073% of alleles in individuals of European (Non-Finnish) descent in gnomAD. At this time, the clinical significance of this variant is uncertain due to the absence of conclusive functional and genetic evidence.

Labcorp Genetics (formerly Invitae), Labcorp
Classification: Uncertain significance for Familial episodic pain syndrome with predominantly lower limb involvement; Hereditary sensory and autonomic neuropathy type 7. Last evaluated: 2024-08-13. Review status: criteria provided, single submitter. Criteria: Invitae Variant Classification Sherloc (09022015). Collection method: clinical testing. Allele origin: germline.
Comment: This sequence change replaces threonine, which is neutral and polar, with methionine, which is neutral and non-polar, at codon 795 of the SCN11A protein (p.Thr795Met). This variant is present in population databases (rs767279633, gnomAD 0.006%). This variant has not been reported in the literature in individuals affected with SCN11A-related conditions. ClinVar contains an entry for this variant (Variation ID: 474706). Advanced modeling of protein sequence and biophysical properties (such as structural, functional, and spatial information, amino acid conservation, physicochemical variation, residue mobility, and thermodynamic stability) performed at Invitae indicates that this missense variant is not expected to disrupt SCN11A protein function with a negative predictive value of 80%. In summary, the available evidence is currently insufficient to determine the role of this variant in disease. Therefore, it has been classified as a Variant of Uncertain Significance.

Ambry Genetics
Classification: Likely benign for Inborn genetic diseases. Last evaluated: 2024-01-08. Review status: criteria provided, single submitter. Criteria: Ambry Variant Classification Scheme 2023. Collection method: clinical testing. Allele origin: germline.